The following is an entry in ClinVar:

NM_004863.4(SPTLC2):c.1127C>T (p.Thr376Met)

Gene: SPTLC2 (serine palmitoyltransferase long chain base subunit 2; minus strand). Cytogenetic location: 14q24.3.
Variant type: single nucleotide variant.
Coding change: c.1127C>T on transcript NM_004863.4 (MANE Select); coding-DNA position 1127, C replaced by T.
Protein change: p.Thr376Met; replaces threonine 376 with methionine.
Molecular consequence: missense variant.
Genome position (GRCh38, 1-based): chr14:77,555,349, G>A on the plus strand (C>T on the coding strand, the complement: SPTLC2 is on the minus strand). VCF-style: chr14-77555349-G-A. GRCh37 (hg19) VCF-style: chr14-78021692-G-A.
Other names: c.1127C>T (NM_004863.3); short protein forms T376M.
Identifiers: ClinVar variation 1046393 (VCV001046393.10), dbSNP rs761783981, ClinGen allele CA7289270.

ClinVar aggregate classification (germline): Uncertain significance. Review status: criteria provided, multiple submitters, no conflicts (2 of 4 stars). 2 submissions from 2 submitters: Uncertain significance (2). Last evaluated 2025-02-21.

Conditions:
Neuropathy, hereditary sensory and autonomic, type 1C. Also called: HSAN IC; HSN IC. Identifiers: Orphanet 36386, MedGen C3150896, MONDO:0013337, OMIM 613640.
SPTLC2-related disorder. Also called: SPTLC2-related condition.

Allele frequency attached by ClinVar (database versions not stated): gnomAD exomes below 0.00001 and 0.00001; ExAC 0.00001.
gnomAD v4.1: 2 of 1,614,006 alleles (0.00012%); highest among the groups gnomAD compares: Non-Finnish European, 0.000085%; no homozygotes.

Submissions (2):

PreventionGenetics, part of Exact Sciences
Classification: Uncertain significance for SPTLC2-related condition. Last evaluated: 2025-02-21. Review status: criteria provided, single submitter. Criteria: ACMG Guidelines, 2015. Collection method: clinical testing. Allele origin: germline.
Comment: The SPTLC2 c.1127C>T variant is predicted to result in the amino acid substitution p.Thr376Met. To our knowledge, this variant has not been reported in the literature. This variant is reported in 0.0062% of alleles in individuals of African descent in gnomAD. At this time, the clinical significance of this variant is uncertain due to the absence of conclusive functional and genetic evidence.

Labcorp Genetics (formerly Invitae), Labcorp
Classification: Uncertain significance for Neuropathy, hereditary sensory and autonomic, type 1C. Last evaluated: 2020-03-14. Review status: criteria provided, single submitter. Criteria: Invitae Variant Classification Sherloc (09022015). Collection method: clinical testing. Allele origin: germline.
Comment: Algorithms developed to predict the effect of missense changes on protein structure and function are either unavailable or do not agree on the potential impact of this missense change (SIFT: "Deleterious"; PolyPhen-2: "Probably Damaging"; Align-GVGD: "Class C0"). In summary, the available evidence is currently insufficient to determine the role of this variant in disease. Therefore, it has been classified as a Variant of Uncertain Significance. This variant has not been reported in the literature in individuals with SPTLC2-related conditions. This variant is present in population databases (rs761783981, ExAC 0.001%). This sequence change replaces threonine with methionine at codon 376 of the SPTLC2 protein (p.Thr376Met). The threonine residue is highly conserved and there is a moderate physicochemical difference between threonine and methionine.